The following is an entry in ClinVar:

NM_000179.2(MSH6):c.3557-?_(*93_?)del

Genes: FBXO11 (F-box protein 11; minus strand), MSH6 (mutS homolog 6; plus strand). Cytogenetic location: 2p16.3.
Variant type: Deletion.
Coding change: c.3557-?_(*93_?)del on transcript NM_000179.2.
Other names: c.3557-?_(*93_?)del (LRG_219t1).
Identifiers: ClinVar variation 89419 (VCV000089419.2).

ClinVar aggregate classification (germline): Pathogenic (3 of 4 stars; one submission).

Conditions:
Lynch syndrome. Identifiers: Orphanet 144, MedGen C4552100, MONDO:0005835. Disease mechanism: loss of function.

Submission:

International Society for Gastrointestinal Hereditary Tumours (InSiGHT)
Classification: Pathogenic for Lynch Syndrome. Last evaluated: 2013-09-05. Review status: reviewed by expert panel. Criteria: Guidelines v1.9. Collection method: research. Allele origin: germline.
Comment: Large deletion

Classified with v1.9 guidelines